The following is an entry in ClinVar:

NM_000094.4(COL7A1):c.1202G>T (p.Arg401Leu)

Gene: COL7A1 (collagen type VII alpha 1 chain; minus strand). Cytogenetic location: 3p21.31.
Variant type: single nucleotide variant.
Coding change: c.1202G>T on transcript NM_000094.4 (MANE Select); coding-DNA position 1202, G replaced by T.
Protein change: p.Arg401Leu; replaces arginine 401 with leucine.
Molecular consequence: missense variant.
Genome position (GRCh38, 1-based): chr3:48,592,140, C>A on the plus strand (G>T on the coding strand, the complement: COL7A1 is on the minus strand). VCF-style: chr3-48592140-C-A. GRCh37 (hg19) VCF-style: chr3-48629573-C-A.
Other names: short protein forms R401L.
Identifiers: ClinVar variation 1302154 (VCV001302154.3), dbSNP rs757929353, ClinGen allele CA2381298.

ClinVar aggregate classification (germline): Uncertain significance. Review status: criteria provided, multiple submitters, no conflicts (2 of 4 stars). 2 submissions from 2 submitters: Uncertain significance (2). Last evaluated 2024-04-15.

Conditions:
Inborn genetic diseases. Identifiers: MedGen C0950123, MeSH D030342.

Allele frequency attached by ClinVar (database versions not stated): gnomAD 0.00003.

Submissions (2):

Ambry Genetics
Classification: Uncertain significance for Inborn genetic diseases. Last evaluated: 2024-04-15. Review status: criteria provided, single submitter. Criteria: Ambry Variant Classification Scheme 2023. Collection method: clinical testing. Allele origin: germline.

GeneDx
Classification: Uncertain significance. Last evaluated: 2019-06-04. Review status: criteria provided, single submitter. Criteria: GeneDx Variant Classification Process June 2021. Collection method: clinical testing. Allele origin: germline. Affected: yes.
Comment: Not observed at a significant frequency in large population cohorts (Lek et al., 2016); In silico analysis, which includes protein predictors and evolutionary conservation, supports that this variant does not alter protein structure/function; Has not been previously published as pathogenic or benign to our knowledge